The following is an entry in ClinVar:

ClinVar aggregate classification (germline): Uncertain significance (1 of 4 stars; one submission).

gnomAD v4.1: 4 of 1,612,340 alleles (0.00025%); highest among the groups gnomAD compares: Non-Finnish European, 0.00034%; no homozygotes.

Submission:

CeGaT Center for Human Genetics Tuebingen
Classification: Uncertain significance. Last evaluated: 2024-10-01. Review status: criteria provided, single submitter. Criteria: CeGaT Center For Human Genetics Tuebingen Variant Classification Criteria Version 2. Collection method: clinical testing. Allele origin: germline. Affected: yes. Observed: 1 variant allele.
Comment: TTN: PM2

NM_001267550.2(TTN):c.54238G>A (p.Glu18080Lys)

Genes: TTN (titin; minus strand), TTN-AS1 (TTN antisense RNA 1; plus strand). Cytogenetic location: 2q31.2.
Variant type: single nucleotide variant.
Coding change: c.54238G>A on transcript NM_001267550.2 (MANE Select); coding-DNA position 54238, G replaced by A.
Protein change: p.Glu18080Lys; replaces glutamic acid 18080 with lysine.
Molecular consequence: missense variant. On other transcripts: non-coding transcript variant (1).
Genome position (GRCh38, 1-based): chr2:178,604,851, C>T on the plus strand (G>A on the coding strand, the complement: TTN is on the minus strand). VCF-style: chr2-178604851-C-T. GRCh37 (hg19) VCF-style: chr2-179469578-C-T.
Other names: c.49315G>A, p.Glu16439Lys (NM_001256850.1); c.27043G>A, p.Glu9015Lys (NM_003319.4); c.46534G>A, p.Glu15512Lys (NM_133378.4); c.27418G>A, p.Glu9140Lys (NM_133432.3); c.27619G>A, p.Glu9207Lys (NM_133437.4); short protein forms E15512K, E16439K, E18080K, E9015K, E9140K, E9207K.
Identifiers: ClinVar variation 3388850 (VCV003388850.14).
Genomic context (GRCh38, chr2:178,604,851, plus strand): 5'-AATGGGTGATTTCACTGCCACCATTATCAAGAGGGGCATCCCATGTCAAGTAGCAAGATT[C>T]AGCTTTAATGTCAGTAACAGCAAGATTTCTTGGTGGGGATGGGCGGTCTGGAAAGGAATC-3'
Protein context (NP_001254479.2, residues 18070-18090): RNLAVTDIKA[Glu18080Lys]SCYLTWDAPL